The following is an entry in ClinVar:

NM_001457.4(FLNB):c.6413G>A (p.Gly2138Asp)

Gene: FLNB (filamin B; plus strand). Cytogenetic location: 3p14.3.
Variant type: single nucleotide variant.
Coding change: c.6413G>A on transcript NM_001457.4 (MANE Select); coding-DNA position 6413, G replaced by A.
Protein change: p.Gly2138Asp; replaces glycine 2138 with aspartic acid.
Molecular consequence: missense variant.
Genome position (GRCh38, 1-based): chr3:58,153,420, G>A. VCF-style: chr3-58153420-G-A. GRCh37 (hg19) VCF-style: chr3-58139147-G-A.
Other names: c.6506G>A, p.Gly2169Asp (NM_001164317.2); c.6380G>A, p.Gly2127Asp (NM_001164318.2); c.6341G>A, p.Gly2114Asp (NM_001164319.2); short protein forms G2114D, G2127D, G2138D, G2169D.
Identifiers: ClinVar variation 1026690 (VCV001026690.5), dbSNP rs1250229819, ClinGen allele CA353359269.

ClinVar aggregate classification (germline): Uncertain significance (1 of 4 stars; one submission).

Allele frequency attached by ClinVar (database versions not stated): gnomAD 0.00001; gnomAD exomes 0.00001; TOPMed 0.00004.
gnomAD v4.1: 9 of 1,614,114 alleles (0.00056%); highest among the groups gnomAD compares: Admixed American, 0.0017%; no homozygotes.

Submission:

Labcorp Genetics (formerly Invitae), Labcorp
Classification: Uncertain significance. Last evaluated: 2025-10-29. Review status: criteria provided, single submitter. Criteria: Invitae Variant Classification Sherloc (09022015). Collection method: clinical testing. Allele origin: germline.
Comment: This sequence change replaces glycine, which is neutral and non-polar, with aspartic acid, which is acidic and polar, at codon 2138 of the FLNB protein (p.Gly2138Asp). This variant is present in population databases (no rsID available, gnomAD 0.003%). This variant has not been reported in the literature in individuals affected with FLNB-related conditions. ClinVar contains an entry for this variant (Variation ID: 1026690). Invitae Evidence Modeling of protein sequence and biophysical properties (such as structural, functional, and spatial information, amino acid conservation, physicochemical variation, residue mobility, and thermodynamic stability) indicates that this missense variant is not expected to disrupt FLNB protein function with a negative predictive value of 95%. In summary, the available evidence is currently insufficient to determine the role of this variant in disease. Therefore, it has been classified as a Variant of Uncertain Significance.